The following is an entry in ClinVar:

NM_000535.7(PMS2):c.1430C>A (p.Ser477Tyr)

Gene: PMS2 (PMS1 homolog 2, mismatch repair system component; minus strand). Cytogenetic location: 7p22.1.
Variant type: single nucleotide variant.
Coding change: c.1430C>A on transcript NM_000535.7 (MANE Select); coding-DNA position 1430, C replaced by A.
Protein change: p.Ser477Tyr; replaces serine 477 with tyrosine.
Molecular consequence: missense variant. On other transcripts: non-coding transcript variant (1).
Genome position (GRCh38, 1-based): chr7:5,987,335, G>T on the plus strand (C>A on the coding strand, the complement: PMS2 is on the minus strand). VCF-style: chr7-5987335-G-T. GRCh37 (hg19) VCF-style: chr7-6026966-G-T.
Other names: c.1025C>A, p.Ser342Tyr (NM_001322003.2, NM_001322004.2, NM_001322005.2 and 1 more transcripts); c.1274C>A, p.Ser425Tyr (NM_001322006.2); c.1112C>A, p.Ser371Tyr (NM_001322007.2, NM_001322008.2); c.869C>A, p.Ser290Tyr (NM_001322010.2); c.497C>A, p.Ser166Tyr (NM_001322011.2, NM_001322012.2); c.857C>A, p.Ser286Tyr (NM_001322013.2); c.1430C>A, p.Ser477Tyr (NM_001322014.2); c.1121C>A, p.Ser374Tyr (NM_001322015.2); short protein forms S477Y, S290Y, S166Y, S374Y, S342Y, S286Y, S371Y, S425Y.
Identifiers: ClinVar variation 234914 (VCV000234914.20), dbSNP rs876661291, ClinGen allele CA10577343.

ClinVar aggregate classification (germline): Conflicting classifications of pathogenicity. Review status: criteria provided, conflicting classifications (1 of 4 stars). 6 submissions from 6 submitters: Uncertain significance (5); Likely benign (1). Last evaluated 2025-11-18.

Conditions:
Hereditary nonpolyposis colorectal neoplasms. Identifiers: MedGen C0009405, MeSH D003123.
Hereditary cancer-predisposing syndrome. Also called: Hereditary neoplastic syndrome; Hereditary Cancer Syndrome; Neoplastic Syndromes, Hereditary; Tumor predisposition. Identifiers: Orphanet 140162, MedGen C0027672, MeSH D009386, MONDO:0015356.
Lynch syndrome. Identifiers: Orphanet 144, MedGen C4552100, MONDO:0005835. Disease mechanism: loss of function.
Lynch syndrome 4 (LYNCH4). Also called: Colorectal cancer, hereditary nonpolyposis, type 4; Hereditary non-polyposis colorectal cancer, type 4. Identifiers: Orphanet 144, MedGen C1838333, MONDO:0013699, OMIM 614337. Disease mechanism: loss of function.

Allele frequency attached by ClinVar (database versions not stated): TOPMed below 0.00001; gnomAD exomes 0.00001.
gnomAD v4.1: 6 of 1,614,106 alleles (0.00037%); highest among the groups gnomAD compares: Non-Finnish European, 0.00051%; no homozygotes.

Submissions (6):

Labcorp Genetics (formerly Invitae), Labcorp
Classification: Uncertain significance for Hereditary nonpolyposis colorectal neoplasms. Last evaluated: 2025-11-18. Review status: criteria provided, single submitter. Criteria: Invitae Variant Classification Sherloc (09022015). Collection method: clinical testing. Allele origin: germline.
Comment: This sequence change replaces serine, which is neutral and polar, with tyrosine, which is neutral and polar, at codon 477 of the PMS2 protein (p.Ser477Tyr). This variant is not present in population databases (gnomAD no frequency). This variant has not been reported in the literature in individuals affected with PMS2-related conditions. ClinVar contains an entry for this variant (Variation ID: 234914). Invitae Evidence Modeling incorporating data from in vitro experimental studies (internal data) indicates that this missense variant is not expected to disrupt PMS2 function with a negative predictive value of 95%. In summary, the available evidence is currently insufficient to determine the role of this variant in disease. Therefore, it has been classified as a Variant of Uncertain Significance.

Ambry Genetics
Classification: Likely benign for Hereditary cancer-predisposing syndrome. Last evaluated: 2025-01-03. Review status: criteria provided, single submitter. Criteria: Ambry Variant Classification Scheme 2023. Collection method: clinical testing. Allele origin: germline.

All of Us Research Program, National Institutes of Health
Classification: Uncertain significance for Lynch syndrome. Last evaluated: 2023-04-03. Review status: criteria provided, single submitter. Criteria: ACMG Guidelines, 2015. Collection method: clinical testing. Allele origin: germline. Inheritance: Autosomal dominant inheritance. Observed: 1 variant allele, 1 heterozygote.
Comment: This study involves interpretation of variants in research participants for the purpose of population health screening. Participant phenotype was not available at the time of variant classification. Additional details can be found in publication PMID: 35346344, PMCID: PMC8962531

St. Jude Molecular Pathology, St. Jude Children's Research Hospital
Classification: Uncertain significance for Lynch syndrome 4. Last evaluated: 2022-01-03. Review status: criteria provided, single submitter. Criteria: St. Jude Assertion Criteria 2020. Collection method: clinical testing. Allele origin: germline.
Comment: The PMS2 c.1430C>A (p.Ser477Tyr) missense change is absent in gnomAD v2.1.1. The in silico tool REVEL predicts a benign effect on protein function, but to our knowledge these predictions have not been confirmed by functional assays. This variant has been reported in heterozygosity in an individual with high-grade glioma (PMID: 26580448). To our knowledge, this variant has not been reported in individuals with Lynch syndrome or constitutional mismatch repair deficiency. In summary, the evidence currently available is insufficient to determine the clinical significance of this variant. It has therefore been classified as of uncertain significance.

Color Diagnostics, LLC DBA Color Health
Classification: Uncertain significance for Hereditary cancer-predisposing syndrome. Last evaluated: 2019-01-24. Review status: criteria provided, single submitter. Criteria: ACMG Guidelines, 2015. Collection method: clinical testing. Allele origin: germline.

GeneDx
Classification: Uncertain significance. Last evaluated: 2018-08-29. Review status: criteria provided, single submitter. Criteria: GeneDx Variant Classification (06012015). Collection method: clinical testing. Allele origin: germline. Affected: yes.
Comment: This variant is denoted PMS2 c.1430C>A at the cDNA level, p.Ser477Tyr (S477Y) at the protein level, and results in the change of a Serine to a Tyrosine (TCC>TAC). This variant has not, to our knowledge, been published in the literature as a pathogenic or benign germline variant. PMS2 Ser477Tyr was not observed in large population cohorts (Lek 2016). This variant is not located in a known functional domain. In silico analysis, which includes protein predictors and evolutionary conservation, supports that this variant does not alter protein structure/function. Based on currently available evidence, it is unclear whether PMS2 Ser477Tyr is a pathogenic or benign variant. We consider it to be a variant of uncertain significance.

Literature cited by the submitters: PubMed 26580448 (cited by Ambry Genetics).